The following is an entry in ClinVar:

ClinVar aggregate classification (germline): Uncertain significance (1 of 4 stars; one submission).

Allele frequency attached by ClinVar (database versions not stated): TOPMed 0.00001; gnomAD 0.00002; ExAC 0.00008.
gnomAD v4.1: 22 of 1,613,992 alleles (0.0014%); highest among the groups gnomAD compares: Middle Eastern, 0.016%; no homozygotes.

Submission:

Labcorp Genetics (formerly Invitae), Labcorp
Classification: Uncertain significance. Last evaluated: 2025-07-10. Review status: criteria provided, single submitter. Criteria: Invitae Variant Classification Sherloc (09022015). Collection method: clinical testing. Allele origin: germline.
Comment: This sequence change replaces arginine, which is basic and polar, with serine, which is neutral and polar, at codon 153 of the RP1L1 protein (p.Arg153Ser). This variant is present in population databases (rs761241198, gnomAD 0.01%). This variant has not been reported in the literature in individuals affected with RP1L1-related conditions. ClinVar contains an entry for this variant (Variation ID: 2421416). Invitae Evidence Modeling of protein sequence and biophysical properties (such as structural, functional, and spatial information, amino acid conservation, physicochemical variation, residue mobility, and thermodynamic stability) indicates that this missense variant is not expected to disrupt RP1L1 protein function with a negative predictive value of 80%. In summary, the available evidence is currently insufficient to determine the role of this variant in disease. Therefore, it has been classified as a Variant of Uncertain Significance.

NM_178857.6(RP1L1):c.459G>T (p.Arg153Ser)

Gene: RP1L1 (RP1 like 1). Cytogenetic location: 8p23.1.
Variant type: single nucleotide variant.
Coding change: c.459G>T on transcript NM_178857.6 (MANE Select); coding-DNA position 459, G replaced by T.
Protein change: p.Arg153Ser; replaces arginine 153 with serine.
Molecular consequence: missense variant.
Genome position (GRCh38, 1-based): chr8:10,622,743, C>A on the plus strand (G>T on the coding strand, the complement: RP1L1 is on the minus strand). VCF-style: chr8-10622743-C-A. GRCh37 (hg19) VCF-style: chr8-10480253-C-A.
Other names: short protein forms R153S.
Identifiers: ClinVar variation 2421416 (VCV002421416.6), dbSNP rs761241198, ClinGen allele CA4625687.